The following is an entry in ClinVar:

ClinVar aggregate classification (germline): Pathogenic (1 of 4 stars; one submission).

Conditions:
Early-infantile DEE. Also called: Ohtahara syndrome; Early infantile epileptic encephalopathy with suppression bursts; Early infantile epileptic encephalopathy. Identifiers: Orphanet 1934, MedGen C0393706, MONDO:0800491.

Submission:

Labcorp Genetics (formerly Invitae), Labcorp
Classification: Pathogenic for Early-infantile DEE. Last evaluated: 2023-08-10. Review status: criteria provided, single submitter. Criteria: Invitae Variant Classification Sherloc (09022015). Collection method: clinical testing. Allele origin: germline.
Comment: For these reasons, this variant has been classified as Pathogenic. Advanced modeling of protein sequence and biophysical properties (such as structural, functional, and spatial information, amino acid conservation, physicochemical variation, residue mobility, and thermodynamic stability) performed at Invitae indicates that this missense variant is expected to disrupt SCN8A protein function. ClinVar contains an entry for this variant (Variation ID: 1057399). This missense change has been observed in individual(s) with clinical features of epileptic encephalopathy (Invitae). In at least one individual the variant was observed to be de novo. This variant is not present in population databases (gnomAD no frequency). This sequence change replaces alanine, which is neutral and non-polar, with serine, which is neutral and polar, at codon 243 of the SCN8A protein (p.Ala243Ser).

NM_001330260.2(SCN8A):c.727G>T (p.Ala243Ser)

Gene: SCN8A (sodium voltage-gated channel alpha subunit 8; plus strand). Cytogenetic location: 12q13.13.
Variant type: single nucleotide variant.
Coding change: c.727G>T on transcript NM_001330260.2 (MANE Select); coding-DNA position 727, G replaced by T.
Protein change: p.Ala243Ser; replaces alanine 243 with serine.
Molecular consequence: missense variant.
Genome position (GRCh38, 1-based): chr12:51,699,590, G>T. VCF-style: chr12-51699590-G-T. GRCh37 (hg19) VCF-style: chr12-52093374-G-T.
Other names: c.727G>T, p.Ala243Ser (NM_001177984.3, NM_001369788.1, NM_014191.4); short protein forms A243S.
Identifiers: ClinVar variation 1057399 (VCV001057399.10), dbSNP rs2138735536, ClinGen allele CA385226388.